The following is an entry in ClinVar:

NM_145207.3(AFG2A):c.1442T>C (p.Met481Thr)

Gene: AFG2A (AFG2 AAA ATPase homolog A; plus strand). Cytogenetic location: 4q28.1.
Variant type: single nucleotide variant.
Coding change: c.1442T>C on transcript NM_145207.3 (MANE Select); coding-DNA position 1442, T replaced by C.
Protein change: p.Met481Thr; replaces methionine 481 with threonine.
Molecular consequence: missense variant.
Genome position (GRCh38, 1-based): chr4:122,938,233, T>C. VCF-style: chr4-122938233-T-C. GRCh37 (hg19) VCF-style: chr4-123859388-T-C.
Other names: c.1439T>C, p.Met480Thr (NM_001317799.2, NM_001345856.2); short protein forms M481T, M480T.
Identifiers: ClinVar variation 424090 (VCV000424090.3), dbSNP rs1064796791, ClinGen allele CA16618030.
Genomic context (GRCh38, chr4:122,938,233, plus strand): 5'-AAAGAGAGGGGGCCCAGAATGAAGTGGAAAAAAGAGTTGTGGCTTCACTCTTAACACTGA[T>C]GGATGGCATTGGTTCAGTAAGTATAGCACTAGTATTGATTCTGTGTAGGGTTAATTCTTA-3'
Protein context (NP_660208.2, residues 471-491): KRVVASLLTL[Met481Thr]DGIGSEVSEG

ClinVar aggregate classification (germline): Likely pathogenic (1 of 4 stars; one submission).

Allele frequency attached by ClinVar (database versions not stated): TOPMed 0.00001.

Submission:

GeneDx
Classification: Likely pathogenic. Last evaluated: 2017-03-03. Review status: criteria provided, single submitter. Criteria: GeneDx Variant Classification (06012015). Collection method: clinical testing. Allele origin: germline. Affected: yes.
Comment: The M481T variant in the SPATA5 gene has not been reported previously as a pathogenic variant, nor as a benign variant, to our knowledge. The M481T variant is not observed in large population cohorts (Lek et al., 2016; 1000 Genomes Consortium et al., 2015; Exome Variant Server). The M481T variant is a non-conservative amino acid substitution, which is likely to impact secondary protein structure as these residues differ in polarity, charge, size and/or other properties. In addition, this substitution occurs at a position that is conserved across species.and in silico analysis predicts this variant is probably damaging to the protein structure/function. The M481T variant is a strong candidate for a pathogenic variant, however the possibility it may be a rare benign variant cannot be excluded.